The following is an entry in ClinVar:

NM_003590.5(CUL3):c.1043T>C (p.Leu348Pro)

Gene: CUL3 (cullin 3; minus strand). Cytogenetic location: 2q36.2.
Variant type: single nucleotide variant.
Coding change: c.1043T>C on transcript NM_003590.5 (MANE Select); coding-DNA position 1043, T replaced by C.
Protein change: p.Leu348Pro; replaces leucine 348 with proline.
Molecular consequence: missense variant.
Genome position (GRCh38, 1-based): chr2:224,506,119, A>G on the plus strand (T>C on the coding strand, the complement: CUL3 is on the minus strand). VCF-style: chr2-224506119-A-G. GRCh37 (hg19) VCF-style: chr2-225370836-A-G.
Other names: c.845T>C, p.Leu282Pro (NM_001257197.2); c.1061T>C, p.Leu354Pro (NM_001257198.2); short protein forms L282P, L354P, L348P.
Identifiers: ClinVar variation 2034448 (VCV002034448.4), dbSNP rs2106203843, ClinGen allele CA350828969.

ClinVar aggregate classification (germline): Uncertain significance (1 of 4 stars; one submission).

Submission:

Labcorp Genetics (formerly Invitae), Labcorp
Classification: Uncertain significance. Last evaluated: 2022-10-07. Review status: criteria provided, single submitter. Criteria: Invitae Variant Classification Sherloc (09022015). Collection method: clinical testing. Allele origin: germline.
Comment: This sequence change replaces leucine, which is neutral and non-polar, with proline, which is neutral and non-polar, at codon 348 of the CUL3 protein (p.Leu348Pro). This variant is not present in population databases (gnomAD no frequency). This variant has not been reported in the literature in individuals affected with CUL3-related conditions. Advanced modeling of protein sequence and biophysical properties (such as structural, functional, and spatial information, amino acid conservation, physicochemical variation, residue mobility, and thermodynamic stability) performed at Invitae indicates that this missense variant is expected to disrupt CUL3 protein function. In summary, the available evidence is currently insufficient to determine the role of this variant in disease. Therefore, it has been classified as a Variant of Uncertain Significance.